The following is an entry in ClinVar:

NM_012073.5(CCT5):c.1357G>A (p.Asp453Asn)

Gene: CCT5 (chaperonin containing TCP1 subunit 5; plus strand). Cytogenetic location: 5p15.2.
Variant type: single nucleotide variant.
Coding change: c.1357G>A on transcript NM_012073.5 (MANE Select); coding-DNA position 1357, G replaced by A.
Protein change: p.Asp453Asn; replaces aspartic acid 453 with asparagine.
Molecular consequence: missense variant.
Genome position (GRCh38, 1-based): chr5:10,263,173, G>A. VCF-style: chr5-10263173-G-A. GRCh37 (hg19) VCF-style: chr5-10263285-G-A.
Other names: c.1294G>A, p.Asp432Asn (NM_001306153.1); c.1192G>A, p.Asp398Asn (NM_001306154.2); c.1078G>A, p.Asp360Asn (NM_001306155.2); c.1243G>A, p.Asp415Asn (NM_001306156.2); short protein forms D360N, D398N, D432N, D415N, D453N.
Identifiers: ClinVar variation 931818 (VCV000931818.13), dbSNP rs766463234, ClinGen allele CA3198353.

ClinVar aggregate classification (germline): Uncertain significance. Review status: criteria provided, multiple submitters, no conflicts (2 of 4 stars). 3 submissions from 3 submitters: Uncertain significance (3). Last evaluated 2024-01-30.

Conditions:
Hereditary sensory and autonomic neuropathy with spastic paraplegia (HSNSP). Identifiers: Orphanet 139578, MedGen C1850395, MONDO:0009748, OMIM 256840.

Allele frequency attached by ClinVar (database versions not stated): ExAC 0.00001; gnomAD 0.00001; TOPMed 0.00001; gnomAD exomes 0.00002.

Submissions (3):

Ambry Genetics
Classification: Uncertain significance. Last evaluated: 2024-01-30. Review status: criteria provided, single submitter. Criteria: Ambry Variant Classification Scheme 2023. Collection method: clinical testing. Allele origin: germline.

Labcorp Genetics (formerly Invitae), Labcorp
Classification: Uncertain significance for Hereditary sensory and autonomic neuropathy with spastic paraplegia. Last evaluated: 2022-07-11. Review status: criteria provided, single submitter. Criteria: Invitae Variant Classification Sherloc (09022015). Collection method: clinical testing. Allele origin: germline.
Comment: This sequence change replaces aspartic acid, which is acidic and polar, with asparagine, which is neutral and polar, at codon 453 of the CCT5 protein (p.Asp453Asn). This variant is present in population databases (rs766463234, gnomAD 0.006%). In summary, the available evidence is currently insufficient to determine the role of this variant in disease. Therefore, it has been classified as a Variant of Uncertain Significance. Algorithms developed to predict the effect of missense changes on protein structure and function (SIFT, PolyPhen-2, Align-GVGD) all suggest that this variant is likely to be tolerated. ClinVar contains an entry for this variant (Variation ID: 931818). This variant has not been reported in the literature in individuals affected with CCT5-related conditions.

Centre for Mendelian Genomics, University Medical Centre Ljubljana
Classification: Uncertain significance for Hereditary sensory and autonomic neuropathy with spastic paraplegia. Last evaluated: 2018-09-25. Review status: criteria provided, single submitter. Criteria: ACMG Guidelines, 2015. Collection method: clinical testing. Allele origin: unknown. Affected: yes.
Comment: This variant was classified as: Uncertain significance. The available evidence on this variant's pathogenicity is insufficient or conflicting. The following ACMG criteria were applied in classifying this variant: PM2,PP3.